The following is an entry in ClinVar:

ClinVar aggregate classification (germline): Uncertain significance. Review status: criteria provided, multiple submitters, no conflicts (2 of 4 stars). 2 submissions from 2 submitters: Uncertain significance (2). Last evaluated 2025-12-06.

Conditions:
Inborn genetic diseases. Identifiers: MedGen C0950123, MeSH D030342.

gnomAD v4.1: 8 of 1,583,780 alleles (0.00051%); highest among the groups gnomAD compares: South Asian, 0.0092%; no homozygotes.

Submissions (2):

Ambry Genetics
Classification: Uncertain significance for Inborn genetic diseases. Last evaluated: 2025-12-06. Review status: criteria provided, single submitter. Criteria: Ambry Variant Classification Scheme 2023. Collection method: clinical testing. Allele origin: germline.
Comment: The p.R9P variant (also known as c.26G>C), located in coding exon 1 of the ERCC6L2 gene, results from a G to C substitution at nucleotide position 26. The arginine at codon 9 is replaced by proline, an amino acid with dissimilar properties. This amino acid position is conserved. In addition, the in silico prediction for this alteration is inconclusive. Based on the available evidence, the clinical significance of this variant remains unclear.

Labcorp Genetics (formerly Invitae), Labcorp
Classification: Uncertain significance. Last evaluated: 2025-09-05. Review status: criteria provided, single submitter. Criteria: Invitae Variant Classification Sherloc (09022015). Collection method: clinical testing. Allele origin: germline.
Comment: This sequence change replaces arginine, which is basic and polar, with proline, which is neutral and non-polar, at codon 20 of the ERCC6L2 protein (p.Arg20Pro). This variant is not present in population databases (gnomAD no frequency). This variant has not been reported in the literature in individuals affected with ERCC6L2-related conditions. Experimental studies and prediction algorithms are not available or were not evaluated, and the functional significance of this variant is currently unknown. In summary, the available evidence is currently insufficient to determine the role of this variant in disease. Therefore, it has been classified as a Variant of Uncertain Significance.

NM_020207.7(ERCC6L2):c.26G>C (p.Arg9Pro)

Gene: ERCC6L2 (ERCC excision repair 6 like 2; plus strand). Cytogenetic location: 9q22.32.
Variant type: single nucleotide variant.
Coding change: c.26G>C on transcript NM_020207.7 (MANE Select); coding-DNA position 26, G replaced by C.
Protein change: p.Arg9Pro; replaces arginine 9 with proline.
Molecular consequence: missense variant. On other transcripts: non-coding transcript variant (1).
Genome position (GRCh38, 1-based): chr9:95,876,064, G>C. VCF-style: chr9-95876064-G-C. GRCh37 (hg19) VCF-style: chr9-98638346-G-C.
Other names: c.26G>C, p.Arg9Pro (NM_001010895.4, NM_001375291.1, NM_001375292.1 and 2 more transcripts); short protein forms R9P.
Identifiers: ClinVar variation 4618778 (VCV004618778.2).